The following is an entry in ClinVar:

ClinVar aggregate classification (germline): Uncertain significance. Review status: criteria provided, multiple submitters, no conflicts (2 of 4 stars). 5 submissions from 5 submitters: Uncertain significance (5). Last evaluated 2025-07-31.

Conditions:
Familial hemiplegic migraine. Identifiers: MedGen C0338484, MONDO:0000700.
Inborn genetic diseases. Identifiers: MedGen C0950123, MeSH D030342.

Allele frequency attached by ClinVar (database versions not stated): gnomAD exomes 0.00001; ExAC 0.00002.
gnomAD v4.1: 9 of 1,614,042 alleles (0.00056%); highest among the groups gnomAD compares: South Asian, 0.0011%; no homozygotes.

Submissions (5):

Ambry Genetics
Classification: Uncertain significance for Inborn genetic diseases. Last evaluated: 2025-07-31. Review status: criteria provided, single submitter. Criteria: Ambry Variant Classification Scheme 2023. Collection method: clinical testing. Allele origin: germline.

CeGaT Center for Human Genetics Tuebingen
Classification: Uncertain significance. Last evaluated: 2023-02-01. Review status: criteria provided, single submitter. Criteria: CeGaT Center For Human Genetics Tuebingen Variant Classification Criteria Version 2. Collection method: clinical testing. Allele origin: germline. Affected: yes. Observed: 1 variant allele.
Comment: ATP1A2: PM2:Supporting, PP2, PP3

Labcorp Genetics (formerly Invitae), Labcorp
Classification: Uncertain significance for Familial hemiplegic migraine. Last evaluated: 2021-05-27. Review status: criteria provided, single submitter. Criteria: Invitae Variant Classification Sherloc (09022015). Collection method: clinical testing. Allele origin: germline.
Comment: In summary, the available evidence is currently insufficient to determine the role of this variant in disease. Therefore, it has been classified as a Variant of Uncertain Significance. Algorithms developed to predict the effect of missense changes on protein structure and function (SIFT, PolyPhen-2, Align-GVGD) all suggest that this variant is likely to be tolerated, but these predictions have not been confirmed by published functional studies and their clinical significance is uncertain. This variant has not been reported in the literature in individuals with ATP1A2-related conditions. This variant is present in population databases (rs777895941, ExAC 0.003%). This sequence change replaces valine with isoleucine at codon 756 of the ATP1A2 protein (p.Val756Ile). The valine residue is highly conserved and there is a small physicochemical difference between valine and isoleucine.

GeneDx
Classification: Uncertain significance. Last evaluated: 2019-10-15. Review status: criteria provided, single submitter. Criteria: GeneDx Variant Classification Process June 2021. Collection method: clinical testing. Allele origin: germline. Affected: yes.
Comment: Not observed at a significant frequency in large population cohorts (Lek et al., 2016); In silico analysis, which includes protein predictors and evolutionary conservation, supports that this variant does not alter protein structure/function; Has not been previously published as pathogenic or benign to our knowledge

Athena Diagnostics
Classification: Uncertain significance. Last evaluated: 2018-09-12. Review status: criteria provided, single submitter. Criteria: Athena Diagnostics Criteria. Collection method: clinical testing. Allele origin: germline.

NM_000702.4(ATP1A2):c.2266G>A (p.Val756Ile)

Gene: ATP1A2 (ATPase Na+/K+ transporting subunit alpha 2; plus strand). Cytogenetic location: 1q23.2.
Variant type: single nucleotide variant.
Coding change: c.2266G>A on transcript NM_000702.4 (MANE Select); coding-DNA position 2266, G replaced by A.
Protein change: p.Val756Ile; replaces valine 756 with isoleucine.
Molecular consequence: missense variant.
Genome position (GRCh38, 1-based): chr1:160,135,584, G>A. VCF-style: chr1-160135584-G-A. GRCh37 (hg19) VCF-style: chr1-160105374-G-A.
Other names: short protein forms V756I.
Identifiers: ClinVar variation 804548 (VCV000804548.40), dbSNP rs777895941, ClinGen allele CA1194694.